The following is an entry in ClinVar:

ClinVar aggregate classification (germline): Likely benign. Review status: criteria provided, single submitter (1 of 4 stars). 2 submissions from 1 submitter: Likely benign (1). 1 of the submissions does not count toward it. Last evaluated 2023-11-27.

Conditions:
Kleefstra syndrome 1 (KLEFS1). Identifiers: Orphanet 261494, MedGen C0795833, MONDO:0027407, OMIM 610253.

Submissions (2):

Labcorp Genetics (formerly Invitae), Labcorp
Classification: Likely benign for Kleefstra syndrome 1. Last evaluated: 2023-11-27. Review status: criteria provided, single submitter. Criteria: Invitae Variant Classification Sherloc (09022015). Collection method: clinical testing. Allele origin: germline.

Labcorp Genetics (formerly Invitae), Labcorp
Classification: Uncertain significance. Last evaluated: 2022-08-15. Review status: flagged submission. Criteria: Invitae Variant Classification Sherloc (09022015). Collection method: clinical testing. Allele origin: germline. Not counted in ClinVar's aggregate classification.
Comment: A copy number gain of the genomic region encompassing the full coding sequence of the CACNA1B gene has been identified. The boundaries of this event are unknown as they extend beyond the assayed region for this gene and therefore may encompass additional genes. As the precise location of this event is unknown, it may be in tandem or it may be located elsewhere in the genome. This variant has not been reported in the literature in individuals affected with CACNA1B-related conditions. In summary, the available evidence is currently insufficient to determine the role of this variant in disease. Therefore, it has been classified as a Variant of Uncertain Significance.
ClinVar note: Reason: This record appears to be redundant with a more recent record from the same submitter.
ClinVar note: Notes: SCV003794327 appears to be redundant with SCV002458770.

NC_000009.11:g.(?_140728781)_(141016451_?)dup

Genes: CACNA1B (calcium voltage-gated channel subunit alpha1 B; plus strand), EHMT1 (euchromatic histone lysine methyltransferase 1; plus strand). Cytogenetic location: 9q34.3.
Variant type: Duplication.
Identifiers: ClinVar variation 1637130 (VCV001637130.8).